The following is an entry in ClinVar:

NM_014844.5(TECPR2):c.2915G>A (p.Trp972Ter)

Gene: TECPR2 (tectonin beta-propeller repeat containing 2; plus strand). Cytogenetic location: 14q32.31.
Variant type: single nucleotide variant.
Coding change: c.2915G>A on transcript NM_014844.5 (MANE Select); coding-DNA position 2915, G replaced by A.
Protein change: p.Trp972Ter; replaces tryptophan 972 with a stop codon.
Molecular consequence: nonsense.
Genome position (GRCh38, 1-based): chr14:102,443,809, G>A. VCF-style: chr14-102443809-G-A. GRCh37 (hg19) VCF-style: chr14-102910146-G-A.
Other names: c.2915G>A, p.Trp972Ter (NM_001172631.3); short protein forms W972*.
Identifiers: ClinVar variation 1073499 (VCV001073499.8), dbSNP rs2139743890, ClinGen allele CA391067469.
Genomic context (GRCh38, chr14:102,443,809, plus strand): 5'-AGCAGAGGGCCCTCCTGTACCGGGAGGGCGTGAGCAGCTTCTGTCCGGAAGGCGAGCAGT[G>A]GAAGTGTGACATTGTCAGGTACTGGCGGGCCAGAGACTCCTTTCACATCGTGCTTGTCCT-3'

ClinVar aggregate classification (germline): Pathogenic. Review status: criteria provided, multiple submitters, no conflicts (2 of 4 stars). 2 submissions from 2 submitters: Pathogenic (2). Last evaluated 2026-03-06.

Conditions:
Hereditary spastic paraplegia 49 (HSAN9). Also called: TECPR2-Related Hereditary Sensory and Autonomic Neuropathy with Intellectual Disability; NEUROPATHY, HEREDITARY SENSORY AND AUTONOMIC, TYPE IX, WITH DEVELOPMENTAL DELAY; Spastic paraplegia 49, autosomal recessive. Identifiers: Orphanet 320385, MedGen C5190860, MONDO:0014016, OMIM 615031.

Submissions (2):

Myriad Genetics, Inc.
Classification: Pathogenic for Hereditary spastic paraplegia 49. Last evaluated: 2026-03-06. Review status: criteria provided, single submitter. Criteria: Myriad Autosomal Dominant, Autosomal Recessive and X-Linked Classification Criteria (2023). Collection method: clinical testing. Allele origin: unknown.
Comment: NM_014844.3(TECPR2):c.2915G>A(W972*) is a nonsense variant classified as pathogenic in the context of spastic paraplegia, TECPR2-related. W972* has not been observed in cases with relevant disease. Relevant functional assessments of this variant are not available in the literature. W972* has not been observed in referenced population frequency databases. In summary, NM_014844.3(TECPR2):c.2915G>A(W972*) is a nonsense variant in a gene where loss of function is a known mechanism of disease and is predicted to disrupt protein function. Please note: this variant was assessed in the context of healthy population screening.

Labcorp Genetics (formerly Invitae), Labcorp
Classification: Pathogenic for Hereditary spastic paraplegia 49. Last evaluated: 2020-06-26. Review status: criteria provided, single submitter. Criteria: Invitae Variant Classification Sherloc (09022015). Collection method: clinical testing. Allele origin: germline.
Comment: For these reasons, this variant has been classified as Pathogenic. Loss-of-function variants in TECPR2 are known to be pathogenic (PMID: 23176824, 25590979). This variant has not been reported in the literature in individuals with TECPR2-related conditions. This variant is not present in population databases (ExAC no frequency). This sequence change creates a premature translational stop signal (p.Trp972*) in the TECPR2 gene. It is expected to result in an absent or disrupted protein product.

Literature cited by the submitters: PubMed 23176824 (cited by Labcorp Genetics (formerly Invitae), Labcorp); PubMed 25590979 (cited by Labcorp Genetics (formerly Invitae), Labcorp).